The following is an entry in ClinVar:

NM_015629.4(PRPF31):c.1186C>G (p.Leu396Val)

Gene: PRPF31 (pre-mRNA processing factor 31; plus strand). Cytogenetic location: 19q13.42.
Variant type: single nucleotide variant.
Coding change: c.1186C>G on transcript NM_015629.4 (MANE Select); coding-DNA position 1186, C replaced by G.
Protein change: p.Leu396Val; replaces leucine 396 with valine.
Molecular consequence: missense variant.
Genome position (GRCh38, 1-based): chr19:54,129,096, C>G. VCF-style: chr19-54129096-C-G. GRCh37 (hg19) VCF-style: chr19-54632471-C-G.
Other names: c.1186C>G (NM_015629.3); short protein forms L396V.
Identifiers: ClinVar variation 2816021 (VCV002816021.4), dbSNP rs1360236310, ClinGen allele CA407754534.

ClinVar aggregate classification (germline): Uncertain significance. Review status: criteria provided, multiple submitters, no conflicts (2 of 4 stars). 2 submissions from 2 submitters: Uncertain significance (2). Last evaluated 2024-01-23.

Conditions:
Inborn genetic diseases. Identifiers: MedGen C0950123, MeSH D030342.

Allele frequency attached by ClinVar (database versions not stated): TOPMed 0.00001.

Submissions (2):

Ambry Genetics
Classification: Uncertain significance for Inborn genetic diseases. Last evaluated: 2024-01-23. Review status: criteria provided, single submitter. Criteria: Ambry Variant Classification Scheme 2023. Collection method: clinical testing. Allele origin: germline.

Labcorp Genetics (formerly Invitae), Labcorp
Classification: Uncertain significance. Last evaluated: 2022-11-23. Review status: criteria provided, single submitter. Criteria: Invitae Variant Classification Sherloc (09022015). Collection method: clinical testing. Allele origin: germline.
Comment: Algorithms developed to predict the effect of missense changes on protein structure and function (SIFT, PolyPhen-2, Align-GVGD) all suggest that this variant is likely to be tolerated. In summary, the available evidence is currently insufficient to determine the role of this variant in disease. Therefore, it has been classified as a Variant of Uncertain Significance. This variant has not been reported in the literature in individuals affected with PRPF31-related conditions. This variant is not present in population databases (gnomAD no frequency). This sequence change replaces leucine, which is neutral and non-polar, with valine, which is neutral and non-polar, at codon 396 of the PRPF31 protein (p.Leu396Val).